The following is an entry in ClinVar:

NM_018451.5(CPAP):c.1434del (p.Lys479fs)

Gene: CPAP (centrosome assembly and centriole elongation protein; minus strand). Cytogenetic location: 13q12.13.
Variant type: Deletion.
Coding change: c.1434del on transcript NM_018451.5 (MANE Select); coding-DNA position 1434, one base deleted (G; older notation c.1434delG).
Protein change: p.Lys479fs; shifts the reading frame from lysine 479.
Molecular consequence: frameshift variant. On other transcripts: non-coding transcript variant (2).
Genome position (GRCh38, 1-based): chr13:24,906,604, C deleted on the plus strand (G on the coding strand, the reverse complement: CPAP is on the minus strand); the first of 4 consecutive C bases (chr13:24,906,604-24,906,607); deleting any one gives the same sequence. VCF-style (leftmost placement, unchanged base first): chr13-24906603-TC-T. GRCh37 (hg19) VCF-style: chr13-25480741-TC-T.
Other names: short protein forms K479fs.
Identifiers: ClinVar variation 1032801 (VCV001032801.4), dbSNP rs1954548327, ClinGen allele CA954167506.

ClinVar aggregate classification (germline): Pathogenic. Review status: criteria provided, multiple submitters, no conflicts (2 of 4 stars). 2 submissions from 2 submitters: Pathogenic (2). Last evaluated 2022-12-21.

Conditions:
Seckel syndrome 4 (SCKL4). Identifiers: Orphanet 808, MedGen C3888212, MONDO:0013358, OMIM 613676.

Submissions (2):

Labcorp Genetics (formerly Invitae), Labcorp
Classification: Pathogenic. Last evaluated: 2022-12-21. Review status: criteria provided, single submitter. Criteria: Invitae Variant Classification Sherloc (09022015). Collection method: clinical testing. Allele origin: germline.
Comment: For these reasons, this variant has been classified as Pathogenic. ClinVar contains an entry for this variant (Variation ID: 1032801). This variant has not been reported in the literature in individuals affected with CENPJ-related conditions. This variant is not present in population databases (gnomAD no frequency). This sequence change creates a premature translational stop signal (p.Lys479Argfs*25) in the CENPJ gene. It is expected to result in an absent or disrupted protein product. Loss-of-function variants in CENPJ are known to be pathogenic (PMID: 15793586, 16900296, 20522431).

Baylor Genetics
Classification: Pathogenic for Seckel syndrome 4. Last evaluated: 2018-05-27. Review status: criteria provided, single submitter. Criteria: ACMG Guidelines, 2015. Collection method: clinical testing. Allele origin: maternal. Affected: yes.
Comment: This variant was determined to be pathogenic according to ACMG Guidelines, 2015 [PMID:25741868].

Literature cited by the submitters: PubMed 15793586 (cited by Labcorp Genetics (formerly Invitae), Labcorp); PubMed 16900296 (cited by Labcorp Genetics (formerly Invitae), Labcorp); PubMed 20522431 (cited by Labcorp Genetics (formerly Invitae), Labcorp).